The following is an entry in ClinVar:

NM_000284.4(PDHA1):c.613T>C (p.Phe205Leu)

Gene: PDHA1 (pyruvate dehydrogenase E1 subunit alpha 1; plus strand). Cytogenetic location: Xp22.12.
Variant type: single nucleotide variant.
Coding change: c.613T>C on transcript NM_000284.4 (MANE Select); coding-DNA position 613, T replaced by C.
Protein change: p.Phe205Leu; replaces phenylalanine 205 with leucine.
Molecular consequence: missense variant.
Genome position (GRCh38, 1-based): chrX:19,355,358, T>C. VCF-style: chrX-19355358-T-C. GRCh37 (hg19) VCF-style: chrX-19373476-T-C.
Other names: c.613T>C (NM_000284.3); c.727T>C, p.Phe243Leu (NM_001173454.2); c.634T>C, p.Phe212Leu (NM_001173455.2); c.520T>C, p.Phe174Leu (NM_001173456.2); short protein forms F212L, F205L, F174L, F243L.
Identifiers: ClinVar variation 2795237 (VCV002795237.4), dbSNP rs2518499632, ClinGen allele CA412394264.
Genomic context (GRCh38, chrX:19,355,358, plus strand): 5'-GAAGCCTGGAGAAAGAAGCCAAATGAAACCCCTTTTCGTAACTACTTCCAGGGCCAGATA[T>C]TCGAAGCTTACAACATGGCAGCTTTGTGGAAATTACCTTGTATTTTCATCTGTGAGAATA-3'
Protein context (NP_000275.1, residues 195-215): GDGAANQGQI[Phe205Leu]EAYNMAALWK

ClinVar aggregate classification (germline): Pathogenic. Review status: criteria provided, single submitter (1 of 4 stars). 2 submissions from 2 submitters: Pathogenic (1). 1 of the submissions does not count toward it. Last evaluated 2023-05-23.

Conditions:
Pyruvate dehydrogenase E1-alpha deficiency (PDHAD). Also called: ATAXIA WITH LACTIC ACIDOSIS I; ATAXIA, INTERMITTENT, WITH ABNORMAL PYRUVATE METABOLISM; Ataxia, intermittent, with pyruvate dehydrogenase, or decarboxylase, deficiency; ATAXIA, INTERMITTENT, WITH PYRUVATE DEHYDROGENASE DEFICIENCY. Identifiers: Orphanet 79243, MedGen C1839413, MONDO:0010717, OMIM 312170.

Submissions (2):

Labcorp Genetics (formerly Invitae), Labcorp
Classification: Pathogenic for Pyruvate dehydrogenase E1-alpha deficiency. Last evaluated: 2023-05-23. Review status: criteria provided, single submitter. Criteria: Invitae Variant Classification Sherloc (09022015). Collection method: clinical testing. Allele origin: germline.
Comment: For these reasons, this variant has been classified as Pathogenic. Advanced modeling of protein sequence and biophysical properties (such as structural, functional, and spatial information, amino acid conservation, physicochemical variation, residue mobility, and thermodynamic stability) performed at Invitae indicates that this missense variant is expected to disrupt PDHA1 protein function. This missense change has been observed in individual(s) with pyruvate dehydrogenase lipoic acid synthetase deficiency (PDHLD) (PMID: 7887409, 8199595, 21914562). In at least one individual the variant was observed to be de novo. This variant is not present in population databases (gnomAD no frequency). This sequence change replaces phenylalanine, which is neutral and non-polar, with leucine, which is neutral and non-polar, at codon 205 of the PDHA1 protein (p.Phe205Leu).

PDHA1 Study Group, University Children’s Hospital, Paracelsus Medical University
Classification: Likely pathogenic for Pyruvate dehydrogenase E1-alpha deficiency. Last evaluated: 2024-10-15. Review status: no assertion criteria provided. Collection method: research. Allele origin: inherited. Affected: yes. Observed: 2 variant alleles. Not counted in ClinVar's aggregate classification.
Comment: The NM_000284.3:c.613T>C (p.Phe205Leu) substitution is a missense variant in PDHA1 gene. In total, 2 individuals were diagnosed with PDHA1-related Pyruvate dehydrogenase complex (PDHc) deficiency (MIM #312170). Among them, 2 were confirmed inherited. This variant has been identified in 2 unpublished cases from internal data. Last literature search: July 12, 2024. This variant is absent or extremely rare in population-based cohorts in the Genome Aggregation Database (gnomAD). Individuals harboring this variant presented with clinical features compatible with PDHA1-related PDHc deficiency. In summary, this variant meets criteria to be classified as likely pathogenic (LP) for PDHA1-related PDHc deficiency based on the ACMG/AMP criteria applied: PS1, PM1, PM2, PP3 (last assessment October 15, 2024).

Literature cited by the submitters: PubMed 7887409 (cited by Labcorp Genetics (formerly Invitae), Labcorp); PubMed 8199595 (cited by Labcorp Genetics (formerly Invitae), Labcorp); PubMed 21914562 (cited by Labcorp Genetics (formerly Invitae), Labcorp); DOI 10.1093/brain/awaf430 (cited by PDHA1 Study Group, University Children’s Hospital, Paracelsus Medical University).